The following is an entry in ClinVar:

NM_004409.5(DMPK):c.*224CTG[823]

Genes: DM1-AS (DM1 locus antisense RNA; plus strand), DMPK (DM1 protein kinase; minus strand), LOC107075317 (origin of replication in DMPK trinucleotide repeat region; plus strand), LOC109461477 (dystrophia myotonica protein kinase repeat instability region; plus strand). Cytogenetic location: 19q13.32.
Variant type: Microsatellite.
Coding change: c.*224CTG[823] on transcript NM_004409.5 (MANE Select); 823 copies in a row of the 3-base unit CTG starting at c.*224.
Molecular consequence: 3 prime UTR variant.
Genome position: GRCh38, VCF-style position (the base before the change): chr19:45,770,204. GRCh37 (hg19), VCF-style position (the base before the change): chr19:46,273,462.
Other names: DM1 CTG repeat expansion; c.*224CTG[823] (NM_001424169.1, NM_001288764.2, NM_001424165.1 and 1 more transcripts); c.*222_*224TGC[823] (NM_001081563.3); c.*217CTG[823] (NM_001288765.2, NM_001424162.1, NM_001424163.1 and 2 more transcripts); c.*369CTG[823] (NM_001288766.2, NM_001424164.1, NM_001424168.1).
Identifiers: ClinVar variation 188035 (VCV000188035.1), ClinGen allele CA915951864.

ClinVar aggregate classification (germline): Pathogenic (0 of 4 stars; one submission).

Conditions:
Steinert myotonic dystrophy syndrome (DM1). Also called: STEINERT DISEASE; Myotonic dystrophy type 1; Dystrophia myotonica type 1; Steinert myotonic dystrophy; Steinert's disease. Identifiers: Orphanet 273, MedGen C3250443, MONDO:0008056, OMIM 160900.

Submission:

Institute of Molecular, Cell and Systems Biology, University of Glasgow
Classification: Pathogenic for Steinert myotonic dystrophy syndrome. Review status: no assertion criteria provided. Criteria: research. Collection method: research. Allele origin: germline. Inheritance: Autosomal dominant inheritance. Affected: yes. Observed: 1 heterozygote.
Comment: DMPK CTG repeat expansions greater than approximately 45-50 repeats are assumed to be pathogenic

This record is based on data published in PubMed 25052313, which reports only ClinVar accessions SCV000120188 and SCV000120189. The complete data set includes SCV000207445 - SCV000207579.

Literature cited by the submitters: PubMed 1346923; PubMed 1546326; PubMed 25052313.